The following is an entry in ClinVar:

NM_000321.3(RB1):c.1448A>G (p.His483Arg)

Gene: RB1 (RB transcriptional corepressor 1; plus strand). Cytogenetic location: 13q14.2.
Variant type: single nucleotide variant.
Coding change: c.1448A>G on transcript NM_000321.3 (MANE Select); coding-DNA position 1448, A replaced by G.
Protein change: p.His483Arg; replaces histidine 483 with arginine.
Molecular consequence: missense variant.
Genome position (GRCh38, 1-based): chr13:48,380,191, A>G. VCF-style: chr13-48380191-A-G. GRCh37 (hg19) VCF-style: chr13-48954327-A-G.
Other names: c.1448A>G, p.His483Arg (NM_001407165.1, NM_001407166.1); short protein forms H483R.
Identifiers: ClinVar variation 3236990 (VCV003236990.1), dbSNP rs1948522736.

ClinVar aggregate classification (germline): Likely pathogenic (1 of 4 stars; one submission).

Conditions:
Retinoblastoma (RB1). Also called: RETINOBLASTOMA, SOMATIC. Identifiers: Orphanet 790, MedGen C0035335, MeSH D012175, MONDO:0008380, OMIM 180200, HP:0009919. Disease mechanism: loss of function. Inheritance: Both sporadic and heritable forms are tested..

Submission:

Genetic Diagnostic Laboratory, University of Pennsylvania School of Medicine
Classification: Likely pathogenic for Retinoblastoma. Last evaluated: 2024-05-20. Review status: criteria provided, single submitter. Criteria: ACMG Guidelines, 2015. Collection method: clinical testing. Allele origin: germline. Affected: yes. Observed: 1 variant allele.
Comment: Case and Pedigree Information: BILATERAL CASES:1, UNILATERAL CASES:0, TOTAL CASES:1, PEDIGREES:1. ACMG Codes Applied:PM1, PM2, PM5, PP3